The following is an entry in ClinVar:

ClinVar aggregate classification (germline): Uncertain significance. Review status: criteria provided, multiple submitters, no conflicts (2 of 4 stars). 4 submissions from 4 submitters: Uncertain significance (4). Last evaluated 2025-10-01.

Conditions:
Cardiovascular phenotype. Identifiers: MedGen CN230736.
JPH2-related disorder. Also called: JPH2-related condition.
Hypertrophic cardiomyopathy. Also called: HYPERTROPHIC MYOCARDIOPATHY. Identifiers: Orphanet 217569, MedGen C0007194, MeSH D002312, MONDO:0005045, HP:0001639.

Allele frequency attached by ClinVar (database versions not stated): gnomAD 0.00001; TOPMed 0.00004; ExAC 0.00005.
gnomAD v4.1: 8 of 1,613,546 alleles (0.0005%); highest among the groups gnomAD compares: Admixed American, 0.01%; no homozygotes.

Submissions (4):

PreventionGenetics, part of Exact Sciences
Classification: Uncertain significance for JPH2-related condition. Last evaluated: 2025-10-01. Review status: criteria provided, single submitter. Criteria: ACMG Guidelines, 2015. Collection method: clinical testing. Allele origin: germline.
Comment: The JPH2 c.1062G>C variant is predicted to result in the amino acid substitution p.Met354Ile. To our knowledge, this variant has not been reported in the literature. This variant is reported in 0.017% of alleles in individuals of Latino descent in gnomAD. At this time, the clinical significance of this variant is uncertain due to the absence of conclusive functional and genetic evidence.

Ambry Genetics
Classification: Uncertain significance for Cardiovascular phenotype. Last evaluated: 2025-09-05. Review status: criteria provided, single submitter. Criteria: Ambry Variant Classification Scheme 2023. Collection method: clinical testing. Allele origin: germline.

Labcorp Genetics (formerly Invitae), Labcorp
Classification: Uncertain significance for Hypertrophic cardiomyopathy. Last evaluated: 2025-07-22. Review status: criteria provided, single submitter. Criteria: Invitae Variant Classification Sherloc (09022015). Collection method: clinical testing. Allele origin: germline.
Comment: This sequence change replaces methionine, which is neutral and non-polar, with isoleucine, which is neutral and non-polar, at codon 354 of the JPH2 protein (p.Met354Ile). This variant is present in population databases (rs546800323, gnomAD 0.009%). This variant has not been reported in the literature in individuals affected with JPH2-related conditions. ClinVar contains an entry for this variant (Variation ID: 1490666). An algorithm developed to predict the effect of missense changes on protein structure and function (PolyPhen-2) suggests that this variant is likely to be tolerated. In summary, the available evidence is currently insufficient to determine the role of this variant in disease. Therefore, it has been classified as a Variant of Uncertain Significance.

GeneDx
Classification: Uncertain significance. Last evaluated: 2024-09-04. Review status: criteria provided, single submitter. Criteria: GeneDx Variant Classification Process June 2021. Collection method: clinical testing. Allele origin: germline. Affected: yes.
Comment: Has not been previously published as pathogenic or benign to our knowledge; In silico analysis indicates that this missense variant does not alter protein structure/function

NM_020433.5(JPH2):c.1062G>C (p.Met354Ile)

Gene: JPH2 (junctophilin 2; minus strand). Cytogenetic location: 20q13.12.
Variant type: single nucleotide variant.
Coding change: c.1062G>C on transcript NM_020433.5 (MANE Select); coding-DNA position 1062, G replaced by C.
Protein change: p.Met354Ile; replaces methionine 354 with isoleucine.
Molecular consequence: missense variant.
Genome position (GRCh38, 1-based): chr20:44,159,725, C>G on the plus strand (G>C on the coding strand, the complement: JPH2 is on the minus strand). VCF-style: chr20-44159725-C-G. GRCh37 (hg19) VCF-style: chr20-42788365-C-G.
Other names: short protein forms M354I.
Identifiers: ClinVar variation 1490666 (VCV001490666.11), dbSNP rs546800323, ClinGen allele CA9868758.